The following is an entry in ClinVar:

ClinVar aggregate classification (germline): Uncertain significance. Review status: criteria provided, multiple submitters, no conflicts (2 of 4 stars). 4 submissions from 4 submitters: Uncertain significance (3). 1 of the submissions does not count toward it. Last evaluated 2026-06-10.

Conditions:
SLC4A11-related disorder. Also called: SLC4A11-related condition.
Corneal dystrophy, Fuchs endothelial, 4 (FECD4). Identifiers: Orphanet 98974, MedGen C2750450, MONDO:0013204, OMIM 613268.

Allele frequency attached by ClinVar (database versions not stated): gnomAD exomes below 0.00001; TOPMed below 0.00001; ExAC 0.00001; ESP Exome Variant Server 0.00008.

Submissions (4):

PreventionGenetics, part of Exact Sciences
Classification: Uncertain significance for SLC4A11-related condition. Last evaluated: 2026-06-10. Review status: criteria provided, single submitter. Criteria: ACMG Guidelines, 2015. Collection method: clinical testing. Allele origin: germline.
Comment: The SLC4A11 c.1195G>A variant is predicted to result in the amino acid substitution p.Glu399Lys. This variant has been reported in heterozygous state in individuals with Fuchs endothelial corneal dystrophy, where second SLC4A11 variant was not identified (Vithana et al. 2008. PubMed ID: 18024964; Soumittra et al. 2014. PubMed ID: 25007886). Experimental studies indicate this variant impacts protein function (Vithana et al. 2008. PubMed ID: 18024964; Vilas et al. 2012. PubMed ID: 22072594; Alka and Casey. 2018. PubMed ID: 29327391). This variant is reported in 0.00090% of alleles in individuals of European (non-Finnish) descent in gnomAD. Although we suspect that this variant may be pathogenic, at this time, the clinical significance of this variant is uncertain due to the absence of conclusive functional and genetic evidence.

Labcorp Genetics (formerly Invitae), Labcorp
Classification: Uncertain significance. Last evaluated: 2023-12-19. Review status: criteria provided, single submitter. Criteria: Invitae Variant Classification Sherloc (09022015). Collection method: clinical testing. Allele origin: germline.
Comment: This sequence change replaces glutamic acid, which is acidic and polar, with lysine, which is basic and polar, at codon 399 of the SLC4A11 protein (p.Glu399Lys). This variant is present in population databases (rs267607065, gnomAD 0.0009%). This missense change has been observed in individual(s) with Fuchs endothelial dystrophy (PMID: 18024964, 25007886). ClinVar contains an entry for this variant (Variation ID: 1323). Advanced modeling of protein sequence and biophysical properties (such as structural, functional, and spatial information, amino acid conservation, physicochemical variation, residue mobility, and thermodynamic stability) has been performed at Invitae for this missense variant, however the output from this modeling did not meet the statistical confidence thresholds required to predict the impact of this variant on SLC4A11 protein function. Experimental studies have shown that this missense change affects SLC4A11 function (PMID: 18024964, 22072594, 29327391). In summary, the available evidence is currently insufficient to determine the role of this variant in disease. Therefore, it has been classified as a Variant of Uncertain Significance.

Women's Health and Genetics/Laboratory Corporation of America, LabCorp
Classification: Uncertain significance. Last evaluated: 2023-04-26. Review status: criteria provided, single submitter. Criteria: LabCorp Variant Classification Summary - May 2015. Collection method: clinical testing. Allele origin: germline.
Comment: Variant summary: SLC4A11 c.1195G>A (p.Glu399Lys) results in a conservative amino acid change located in the Bicarbonate transporter-like, transmembrane domain (IPR011531) of the encoded protein sequence. Three of five in-silico tools predict a damaging effect of the variant on protein function. The variant allele was found at a frequency of 4e-06 in 248954 control chromosomes (gnomAD). c.1195G>A has been reported in the literature in an individual affected with Fuchs endothelial corneal dystrophy. These data suggest the variant may be association with disease. At least two publications report experimental evidence evaluating an impact on protein function, showing reduced expression of mature SLC4A11 protein and disruption of cell surface localization. The following publications have been ascertained in the context of this evaluation (PMID: 18024964, 29327391). No submitters have provided clinical-significance assessments for this variant to ClinVar after 2014. Based on the evidence outlined above, the variant was classified as VUS-possibly pathogenic.

OMIM
Classification: Pathogenic for CORNEAL DYSTROPHY, FUCHS ENDOTHELIAL, 4. Last evaluated: 2006-07-01. Review status: no assertion criteria provided. Collection method: literature only. Allele origin: germline. Not counted in ClinVar's aggregate classification.

Literature cited by the submitters: PubMed 18024964 (cited by Labcorp Genetics (formerly Invitae), Labcorp and Women's Health and Genetics/Laboratory Corporation of America, LabCorp); PubMed 25007886 (cited by Labcorp Genetics (formerly Invitae), Labcorp); PubMed 22072594 (cited by Labcorp Genetics (formerly Invitae), Labcorp); PubMed 29327391 (cited by Labcorp Genetics (formerly Invitae), Labcorp and Women's Health and Genetics/Laboratory Corporation of America, LabCorp); PubMed 16767101 (cited by OMIM).

NM_001174089.2(SLC4A11):c.1147G>A (p.Glu383Lys)

Gene: SLC4A11 (solute carrier family 4 member 11; minus strand). Cytogenetic location: 20p13.
Variant type: single nucleotide variant.
Coding change: c.1147G>A on transcript NM_001174089.2 (MANE Select); coding-DNA position 1147, G replaced by A.
Protein change: p.Glu383Lys; replaces glutamic acid 383 with lysine.
Molecular consequence: missense variant. On other transcripts: non-coding transcript variant (1).
Genome position (GRCh38, 1-based): chr20:3,230,954, C>T on the plus strand (G>A on the coding strand, the complement: SLC4A11 is on the minus strand). VCF-style: chr20-3230954-C-T. GRCh37 (hg19) VCF-style: chr20-3211600-C-T.
Other names: c.1276G>A, p.Glu426Lys (NM_001174090.2); c.1147G>A, p.Glu383Lys (NM_001363745.2); c.1195G>A, p.Glu399Lys (NM_032034.4); c.1195G>A (NM_032034.3); short protein forms E399K, E383K, E426K.
Identifiers: ClinVar variation 1323 (VCV000001323.6), dbSNP rs267607065, ClinGen allele CA114930.